The following is an entry in ClinVar:

ClinVar aggregate classification (germline): Uncertain significance (1 of 4 stars; one submission).

Conditions:
Hereditary cancer-predisposing syndrome. Also called: Neoplastic Syndromes, Hereditary; Tumor predisposition; Hereditary neoplastic syndrome; Hereditary Cancer Syndrome. Identifiers: Orphanet 140162, MedGen C0027672, MeSH D009386, MONDO:0015356.

Submission:

Ambry Genetics
Classification: Uncertain significance for Hereditary cancer-predisposing syndrome. Last evaluated: 2026-08-20. Review status: criteria provided, single submitter. Criteria: Ambry Variant Classification Scheme 2023. Collection method: clinical testing. Allele origin: germline.
Comment: The p.E672G variant (also known as c.2015A>G), located in coding exon 13 of the SMARCA4 gene, results from an A to G substitution at nucleotide position 2015. The glutamic acid at codon 672 is replaced by glycine, an amino acid with similar properties. This amino acid position is conserved. In addition, this alteration is predicted to be tolerated by in silico analysis. Based on the available evidence, the clinical significance of this variant remains unclear.

NM_003072.5(SMARCA4):c.2015A>G (p.Glu672Gly)

Gene: SMARCA4 (SWI/SNF related BAF chromatin remodeling complex subunit ATPase 4; plus strand). Cytogenetic location: 19p13.2.
Variant type: single nucleotide variant.
Coding change: c.2015A>G on transcript NM_003072.5 (MANE Select); coding-DNA position 2015, A replaced by G.
Protein change: p.Glu672Gly; replaces glutamic acid 672 with glycine.
Molecular consequence: missense variant. On other transcripts: non-coding transcript variant (1).
Genome position (GRCh38, 1-based): chr19:11,007,915, A>G. VCF-style: chr19-11007915-A-G. GRCh37 (hg19) VCF-style: chr19-11118591-A-G.
Other names: c.2015A>G, p.Glu672Gly (NM_001128844.3, NM_001128845.2, NM_001128846.2 and 6 more transcripts); short protein forms E672G.
Identifiers: ClinVar variation 5029889 (VCV005029889.1).